The following is an entry in ClinVar:

ClinVar aggregate classification (germline): Uncertain significance (1 of 4 stars; one submission).

Submission:

GeneDx
Classification: Uncertain significance. Last evaluated: 2026-09-25. Review status: criteria provided, single submitter. Criteria: GeneDx Variant Classification Process June 2021. Collection method: clinical testing. Allele origin: germline.
Comment: Not observed at significant frequency in large population cohorts (gnomAD); In silico analysis suggests that this missense variant does not alter protein structure/function; Has not been previously published as pathogenic or benign to our knowledge

NM_019066.5(MAGEL2):c.2327T>C (p.Leu776Pro)

Gene: MAGEL2 (MAGE family member L2; minus strand). Cytogenetic location: 15q11.2.
Variant type: single nucleotide variant.
Coding change: c.2327T>C on transcript NM_019066.5 (MANE Select); coding-DNA position 2327, T replaced by C.
Protein change: p.Leu776Pro; replaces leucine 776 with proline.
Molecular consequence: missense variant.
Genome position (GRCh38, 1-based): chr15:23,645,416, A>G on the plus strand (T>C on the coding strand, the complement: MAGEL2 is on the minus strand). VCF-style: chr15-23645416-A-G. GRCh37 (hg19) VCF-style: chr15-23890563-A-G.
Other names: short protein forms L776P.
Identifiers: ClinVar variation 5008561 (VCV005008561.1).
Genomic context (GRCh38, chr15:23,645,416, plus strand): 5'-AACTGGGAGGTAGCTGGGAAGACACTTGAGGAGGGAGCAAAGGTCTCCGGTGTGGCAGGC[A>G]GGTTTTTCCAGGCAGCTGGCAGGTGTGCTCGCGCAGCTGACACTGCCTTGGGAGCACAGA-3'
Protein context (NP_061939.3, residues 766-786): RAHLPAAWKN[Leu776Pro]PATPETFAPS